The following is an entry in ClinVar:

ClinVar aggregate classification (germline): Uncertain significance (1 of 4 stars; one submission).

Allele frequency attached by ClinVar (database versions not stated): TOPMed 0.00007; ExAC 0.00008; gnomAD exomes 0.00013; gnomAD 0.00004.
gnomAD v4.1: 92 of 1,614,034 alleles (0.0057%); highest among the groups gnomAD compares: Admixed American, 0.065%; no homozygotes.

Submission:

Labcorp Genetics (formerly Invitae), Labcorp
Classification: Uncertain significance. Last evaluated: 2025-12-27. Review status: criteria provided, single submitter. Criteria: Invitae Variant Classification Sherloc (09022015). Collection method: clinical testing. Allele origin: germline.
Comment: This sequence change replaces arginine, which is basic and polar, with histidine, which is basic and polar, at codon 121 of the TFRC protein (p.Arg121His). This variant is present in population databases (rs772641140, gnomAD 0.09%), and has an allele count higher than expected for a pathogenic variant. This variant has not been reported in the literature in individuals affected with TFRC-related conditions. ClinVar contains an entry for this variant (Variation ID: 1505710). Invitae Evidence Modeling of protein sequence and biophysical properties (such as structural, functional, and spatial information, amino acid conservation, physicochemical variation, residue mobility, and thermodynamic stability) indicates that this missense variant is not expected to disrupt TFRC protein function with a negative predictive value of 80%. In summary, the available evidence is currently insufficient to determine the role of this variant in disease. Therefore, it has been classified as a Variant of Uncertain Significance.

NM_001128148.3(TFRC):c.362G>A (p.Arg121His)

Gene: TFRC (transferrin receptor; minus strand). Cytogenetic location: 3q29.
Variant type: single nucleotide variant.
Coding change: c.362G>A on transcript NM_001128148.3 (MANE Select); coding-DNA position 362, G replaced by A.
Protein change: p.Arg121His; replaces arginine 121 with histidine.
Molecular consequence: missense variant. On other transcripts: intron variant (1).
Genome position (GRCh38, 1-based): chr3:196,074,002, C>T on the plus strand (G>A on the coding strand, the complement: TFRC is on the minus strand). VCF-style: chr3-196074002-C-T. GRCh37 (hg19) VCF-style: chr3-195800873-C-T.
Other names: c.119G>A, p.Arg40His (NM_001313965.2); c.362G>A, p.Arg121His (NM_003234.4); c.-412-1850G>A (NM_001313966.2); short protein forms R40H, R121H.
Identifiers: ClinVar variation 1505710 (VCV001505710.8), dbSNP rs772641140, ClinGen allele CA2778325.